The following is an entry in ClinVar:

ClinVar aggregate classification (germline): Uncertain significance (1 of 4 stars; one submission).

Conditions:
TET3-related disorder. Also called: TET3-Related Disease; TET3-related condition.

Allele frequency attached by ClinVar (database versions not stated): gnomAD exomes below 0.00001; ExAC 0.00001.
gnomAD v4.1: 1 of 1,613,910 alleles (0.000062%); highest among the groups gnomAD compares: Non-Finnish European, 0.000085%; no homozygotes.

Submission:

Rady Children's Institute for Genomic Medicine, Rady Children's Hospital San Diego
Classification: Uncertain significance for TET3-Related Disease. Review status: criteria provided, single submitter. Criteria: ACMG Guidelines, 2015. Collection method: clinical testing. Allele origin: germline. Affected: yes. Study: CSER-NYCKidSeq.
Comment: This variant has not been previously reported or functionally characterized in the literature to our knowledge. It is absent from the gnomAD population database and thus is presumed to be rare. The c.2725-5C>T variant affects a mildly conserved splice site but multiple splice prediction tools suggest this variant is not likely to interfere with normal splicing. Based on the available evidence, the c.2725-5C>T variant is classified as Variant of Uncertain Significance.

NM_001287491.2(TET3):c.3946G>C (p.Glu1316Gln)

Gene: TET3 (tet methylcytosine dioxygenase 3; plus strand). Cytogenetic location: 2p13.1.
Variant type: single nucleotide variant.
Coding change: c.3946G>C on transcript NM_001287491.2 (MANE Select); coding-DNA position 3946, G replaced by C.
Protein change: p.Glu1316Gln; replaces glutamic acid 1316 with glutamine.
Molecular consequence: missense variant.
Genome position (GRCh38, 1-based): chr2:74,100,734, G>C. VCF-style: chr2-74100734-G-C. GRCh37 (hg19) VCF-style: chr2-74327861-G-C.
Other names: c.3667G>C, p.Glu1223Gln (NM_001366022.1); short protein forms E1223Q, E1316Q.
Identifiers: ClinVar variation 1343780 (VCV001343780.1), dbSNP rs770400199, ClinGen allele CA1719119.